The following is an entry in ClinVar:

NM_201384.3(PLEC):c.2620G>A (p.Ala874Thr)

Gene: PLEC (plectin; minus strand). Cytogenetic location: 8q24.3.
Variant type: single nucleotide variant.
Coding change: c.2620G>A on transcript NM_201384.3 (MANE Select); coding-DNA position 2620, G replaced by A.
Protein change: p.Ala874Thr; replaces alanine 874 with threonine.
Molecular consequence: missense variant.
Genome position (GRCh38, 1-based): chr8:143,930,055, C>T on the plus strand (G>A on the coding strand, the complement: PLEC is on the minus strand). VCF-style: chr8-143930055-C-T. GRCh37 (hg19) VCF-style: chr8-145004223-C-T.
Other names: c.2701G>A (NM_000445.3); c.2701G>A, p.Ala901Thr (NM_000445.5); c.2578G>A, p.Ala860Thr (NM_201378.4); c.2554G>A, p.Ala852Thr (NM_201379.3); c.3031G>A, p.Ala1011Thr (NM_201380.4); c.2524G>A, p.Ala842Thr (NM_201381.3); c.2620G>A, p.Ala874Thr (NM_201382.4); c.2632G>A, p.Ala878Thr (NM_201383.3); short protein forms A1011T, A842T, A852T, A860T, A874T, A878T, A901T.
Identifiers: ClinVar variation 1001955 (VCV001001955.8), dbSNP rs782212880, ClinGen allele CA4927433.

ClinVar aggregate classification (germline): Uncertain significance. Review status: criteria provided, multiple submitters, no conflicts (2 of 4 stars). 2 submissions from 2 submitters: Uncertain significance (2). Last evaluated 2022-12-06.

Conditions:
Epidermolysis bullosa simplex 5B, with muscular dystrophy (EBS5B). Also called: Epidermolysis bullosa simplex with muscular dystrophy; EPIDERMOLYSIS BULLOSA SIMPLEX AND LIMB-GIRDLE MUSCULAR DYSTROPHY. Identifiers: Orphanet 257, MedGen C2931072, MONDO:0009181, OMIM 226670.
Epidermolysis bullosa simplex, Ogna type (EBS5A). Also called: Pidermolysis bullosa simplex 5A, Ogna type; EPIDERMOLYSIS BULLOSA SIMPLEX 5A, OGNA TYPE. Identifiers: Orphanet 79401, MedGen C0432317, MONDO:0007555, OMIM 131950.
Epidermolysis bullosa simplex 5C, with pyloric atresia (EBS5C). Also called: PLEC-Related Epidermolysis Bullosa with Pyloric Atresia; Epidermolysis bullosa simplex with pyloric atresia; PLEC1-Related Epidermolysis Bullosa with Pyloric Atresia. Identifiers: Orphanet 158684, MedGen C2677349, MONDO:0012807, OMIM 612138.
Autosomal recessive limb-girdle muscular dystrophy type 2Q (LGMDR17). Also called: MUSCULAR DYSTROPHY, LIMB-GIRDLE, AUTOSOMAL RECESSIVE 17. Identifiers: Orphanet 254361, MedGen C3150989, MONDO:0013390, OMIM 613723.
Epidermolysis bullosa simplex with nail dystrophy (EBS5D). Identifiers: MedGen C4225309, MONDO:0014661, OMIM 616487.

Allele frequency attached by ClinVar (database versions not stated): gnomAD exomes below 0.00001; ExAC 0.00001.
gnomAD v4.1: 1 of 1,610,996 alleles (0.000062%); highest among the groups gnomAD compares: Non-Finnish European, 0.000085%; no homozygotes.

Submissions (2):

Labcorp Genetics (formerly Invitae), Labcorp
Classification: Uncertain significance for Autosomal recessive limb-girdle muscular dystrophy type 2Q; Epidermolysis bullosa simplex, Ogna type; Epidermolysis bullosa simplex with nail dystrophy; Epidermolysis bullosa simplex 5C, with pyloric atresia; Epidermolysis bullosa simplex 5B, with muscular dystrophy. Last evaluated: 2022-12-06. Review status: criteria provided, single submitter. Criteria: Invitae Variant Classification Sherloc (09022015). Collection method: clinical testing. Allele origin: germline.
Comment: In summary, the available evidence is currently insufficient to determine the role of this variant in disease. Therefore, it has been classified as a Variant of Uncertain Significance. Advanced modeling of protein sequence and biophysical properties (such as structural, functional, and spatial information, amino acid conservation, physicochemical variation, residue mobility, and thermodynamic stability) performed at Invitae indicates that this missense variant is not expected to disrupt PLEC protein function. ClinVar contains an entry for this variant (Variation ID: 1001955). This variant has not been reported in the literature in individuals affected with PLEC-related conditions. This variant is present in population databases (rs782212880, gnomAD 0.0009%). This sequence change replaces alanine, which is neutral and non-polar, with threonine, which is neutral and polar, at codon 901 of the PLEC protein (p.Ala901Thr).

Revvity Omics, Revvity
Classification: Uncertain significance. Last evaluated: 2021-02-10. Review status: criteria provided, single submitter. Criteria: ACMG Guidelines, 2015. Collection method: clinical testing. Allele origin: germline.